The following is an entry in ClinVar:

NM_017617.5(NOTCH1):c.4583G>A (p.Cys1528Tyr)

Gene: NOTCH1 (notch receptor 1; minus strand). Cytogenetic location: 9q34.3.
Variant type: single nucleotide variant.
Coding change: c.4583G>A on transcript NM_017617.5 (MANE Select); coding-DNA position 4583, G replaced by A.
Protein change: p.Cys1528Tyr; replaces cysteine 1528 with tyrosine.
Molecular consequence: missense variant.
Genome position (GRCh38, 1-based): chr9:136,505,313, C>T on the plus strand (G>A on the coding strand, the complement: NOTCH1 is on the minus strand). VCF-style: chr9-136505313-C-T. GRCh37 (hg19) VCF-style: chr9-139399765-C-T.
Other names: short protein forms C1528Y.
Identifiers: ClinVar variation 2504754 (VCV002504754.1), dbSNP rs2133338466, ClinGen allele CA375646330.

ClinVar aggregate classification (germline): Uncertain significance (1 of 4 stars; one submission).

Submission:

GeneDx
Classification: Uncertain significance. Last evaluated: 2022-12-07. Review status: criteria provided, single submitter. Criteria: GeneDx Variant Classification Process June 2021. Collection method: clinical testing. Allele origin: germline. Affected: yes.
Comment: Not observed at significant frequency in large population cohorts (gnomAD); In silico analysis supports that this missense variant has a deleterious effect on protein structure/function; Has not been previously published as pathogenic or benign to our knowledge